The following is an entry in ClinVar:

ClinVar aggregate classification (germline): Uncertain significance (1 of 4 stars; one submission).

Conditions:
Congenital dyserythropoietic anemia, type II (CDAN2). Also called: DYSERYTHROPOIETIC ANEMIA, HEMPAS TYPE. Identifiers: Orphanet 98873, MedGen C1306589, MONDO:0009134, OMIM 224100.
Cowden syndrome 7 (CWS7). Identifiers: Orphanet 201, MedGen C4225179, MONDO:0014802, OMIM 616858.

Allele frequency attached by ClinVar (database versions not stated): TOPMed 0.00002; 1000 Genomes Project 0.00060; 1000 Genomes Project 30x 0.00062.
gnomAD v4.1: 19 of 1,614,188 alleles (0.0012%); highest among the groups gnomAD compares: Admixed American, 0.017%; no homozygotes.

Submission:

Labcorp Genetics (formerly Invitae), Labcorp
Classification: Uncertain significance for Congenital dyserythropoietic anemia, type II; Cowden syndrome 7. Last evaluated: 2022-07-12. Review status: criteria provided, single submitter. Criteria: Invitae Variant Classification Sherloc (09022015). Collection method: clinical testing. Allele origin: germline.
Comment: This sequence change replaces isoleucine, which is neutral and non-polar, with methionine, which is neutral and non-polar, at codon 619 of the SEC23B protein (p.Ile619Met). This variant is present in population databases (rs570409272, gnomAD 0.02%). This variant has not been reported in the literature in individuals affected with SEC23B-related conditions. Algorithms developed to predict the effect of missense changes on protein structure and function are either unavailable or do not agree on the potential impact of this missense change (SIFT: "Deleterious"; PolyPhen-2: "Possibly Damaging"; Align-GVGD: "Class C0"). In summary, the available evidence is currently insufficient to determine the role of this variant in disease. Therefore, it has been classified as a Variant of Uncertain Significance.

NM_006363.6(SEC23B):c.1857C>G (p.Ile619Met)

Gene: SEC23B (SEC23 homolog B, COPII component; plus strand). Cytogenetic location: 20p11.23.
Variant type: single nucleotide variant.
Coding change: c.1857C>G on transcript NM_006363.6 (MANE Select); coding-DNA position 1857, C replaced by G.
Protein change: p.Ile619Met; replaces isoleucine 619 with methionine.
Molecular consequence: missense variant.
Genome position (GRCh38, 1-based): chr20:18,548,722, C>G. VCF-style: chr20-18548722-C-G. GRCh37 (hg19) VCF-style: chr20-18529366-C-G.
Other names: c.1857C>G, p.Ile619Met (NM_001172745.3, NM_032985.6, NM_032986.5); c.1803C>G, p.Ile601Met (NM_001172746.3); short protein forms I619M, I601M.
Identifiers: ClinVar variation 2149412 (VCV002149412.1), dbSNP rs570409272, ClinGen allele CA9778509.